The following is an entry in ClinVar:

NM_020207.7(ERCC6L2):c.133G>C (p.Asp45His)

Gene: ERCC6L2 (ERCC excision repair 6 like 2; plus strand). Cytogenetic location: 9q22.32.
Variant type: single nucleotide variant.
Coding change: c.133G>C on transcript NM_020207.7 (MANE Select); coding-DNA position 133, G replaced by C.
Protein change: p.Asp45His; replaces aspartic acid 45 with histidine.
Molecular consequence: missense variant. On other transcripts: non-coding transcript variant (1).
Genome position (GRCh38, 1-based): chr9:95,880,955, G>C. VCF-style: chr9-95880955-G-C. GRCh37 (hg19) VCF-style: chr9-98643237-G-C.
Other names: c.133G>C, p.Asp45His (NM_001010895.4, NM_001375291.1, NM_001375292.1 and 2 more transcripts); short protein forms D45H.
Identifiers: ClinVar variation 3845822 (VCV003845822.1).

ClinVar aggregate classification (germline): Uncertain significance (1 of 4 stars; one submission).

Conditions:
Inborn genetic diseases. Identifiers: MedGen C0950123, MeSH D030342.

Submission:

Ambry Genetics
Classification: Uncertain significance for Inborn genetic diseases. Last evaluated: 2024-12-22. Review status: criteria provided, single submitter. Criteria: Ambry Variant Classification Scheme 2023. Collection method: clinical testing. Allele origin: germline.
Comment: The p.D45H variant (also known as c.133G>C), located in coding exon 2 of the ERCC6L2 gene, results from a G to C substitution at nucleotide position 133. The aspartic acid at codon 45 is replaced by histidine, an amino acid with similar properties. This amino acid position is conserved. In addition, the in silico prediction for this alteration is inconclusive. Based on the available evidence, the clinical significance of this variant remains unclear.